The following is an entry in ClinVar:

ClinVar aggregate classification (germline): Uncertain significance (1 of 4 stars; one submission).

Conditions:
Microcephaly, normal intelligence and immunodeficiency (NBS). Also called: BERLIN BREAKAGE SYNDROME; Immunodeficiency, microcephaly with normal intelligence; SEEMANOVA SYNDROME II; Ataxia telangiectasia variant V1; Nijmegen breakage syndrome; IMMUNODEFICIENCY, MICROCEPHALY, AND CHROMOSOMAL INSTABILITY. Identifiers: Orphanet 647, MedGen C0398791, MONDO:0009623, OMIM 251260.

Submission:

Labcorp Genetics (formerly Invitae), Labcorp
Classification: Uncertain significance for Microcephaly, normal intelligence and immunodeficiency. Last evaluated: 2021-08-28. Review status: criteria provided, single submitter. Criteria: Invitae Variant Classification Sherloc (09022015). Collection method: clinical testing. Allele origin: germline.
Comment: This sequence change replaces phenylalanine with serine at codon 244 of the NBN protein (p.Phe244Ser). The phenylalanine residue is weakly conserved and there is a large physicochemical difference between phenylalanine and serine. This variant is not present in population databases (ExAC no frequency). This variant has not been reported in the literature in individuals affected with NBN-related conditions. Algorithms developed to predict the effect of missense changes on protein structure and function (SIFT, PolyPhen-2, Align-GVGD) all suggest that this variant is likely to be tolerated. In summary, the available evidence is currently insufficient to determine the role of this variant in disease. Therefore, it has been classified as a Variant of Uncertain Significance.

NM_002485.5(NBN):c.731T>C (p.Phe244Ser)

Gene: NBN (nibrin; minus strand). Cytogenetic location: 8q21.3.
Variant type: single nucleotide variant.
Coding change: c.731T>C on transcript NM_002485.5 (MANE Select); coding-DNA position 731, T replaced by C.
Protein change: p.Phe244Ser; replaces phenylalanine 244 with serine.
Molecular consequence: missense variant.
Genome position (GRCh38, 1-based): chr8:89,970,529, A>G on the plus strand (T>C on the coding strand, the complement: NBN is on the minus strand). VCF-style: chr8-89970529-A-G. GRCh37 (hg19) VCF-style: chr8-90982757-A-G.
Other names: c.485T>C, p.Phe162Ser (NM_001024688.3); short protein forms F244S, F162S.
Identifiers: ClinVar variation 654691 (VCV000654691.6), dbSNP rs1586087079, ClinGen allele CA371658842.